The following is an entry in ClinVar:

ClinVar aggregate classification (germline): Uncertain significance. Review status: criteria provided, multiple submitters, no conflicts (2 of 4 stars). 4 submissions from 4 submitters: Uncertain significance (4). Last evaluated 2024-07-02.

Conditions:
Familial cancer of breast. Also called: hereditary breast carcinoma; Hereditary breast cancer; BREAST CANCER, FAMILIAL. Identifiers: Orphanet 227535, MedGen C0346153, MONDO:0016419, OMIM 114480. Disease mechanism: loss of function.
Hereditary cancer-predisposing syndrome. Also called: Neoplastic Syndromes, Hereditary; Hereditary Cancer Syndrome; Tumor predisposition; Hereditary neoplastic syndrome. Identifiers: Orphanet 140162, MedGen C0027672, MeSH D009386, MONDO:0015356.

Submissions (4):

GeneDx
Classification: Uncertain significance. Last evaluated: 2024-07-02. Review status: criteria provided, single submitter. Criteria: GeneDx Variant Classification Process June 2021. Collection method: clinical testing. Allele origin: germline. Affected: yes.
Comment: Not observed at significant frequency in large population cohorts (gnomAD); In silico analysis indicates that this missense variant does not alter protein structure/function; Has not been previously published as pathogenic or benign to our knowledge

Ambry Genetics
Classification: Uncertain significance for Hereditary cancer-predisposing syndrome. Last evaluated: 2024-02-04. Review status: criteria provided, single submitter. Criteria: Ambry Variant Classification Scheme 2023. Collection method: clinical testing. Allele origin: germline.
Comment: The p.S339C variant (also known as c.1015A>T), located in coding exon 4 of the BARD1 gene, results from an A to T substitution at nucleotide position 1015. The serine at codon 339 is replaced by cysteine, an amino acid with dissimilar properties. This amino acid position is conserved. In addition, this alteration is predicted to be tolerated by in silico analysis. Based on the available evidence, the clinical significance of this alteration remains unclear.

Labcorp Genetics (formerly Invitae), Labcorp
Classification: Uncertain significance for Familial cancer of breast. Last evaluated: 2022-04-25. Review status: criteria provided, single submitter. Criteria: Invitae Variant Classification Sherloc (09022015). Collection method: clinical testing. Allele origin: germline.
Comment: Algorithms developed to predict the effect of missense changes on protein structure and function (SIFT, PolyPhen-2, Align-GVGD) all suggest that this variant is likely to be disruptive. ClinVar contains an entry for this variant (Variation ID: 993161). This variant has not been reported in the literature in individuals affected with BARD1-related conditions. This variant is not present in population databases (gnomAD no frequency). This sequence change replaces serine, which is neutral and polar, with cysteine, which is neutral and slightly polar, at codon 339 of the BARD1 protein (p.Ser339Cys). In summary, the available evidence is currently insufficient to determine the role of this variant in disease. Therefore, it has been classified as a Variant of Uncertain Significance.

Quest Diagnostics Nichols Institute San Juan Capistrano
Classification: Uncertain significance. Last evaluated: 2020-03-09. Review status: criteria provided, single submitter. Criteria: Quest Diagnostics criteria. Collection method: clinical testing. Allele origin: unknown.

NM_000465.4(BARD1):c.1015A>T (p.Ser339Cys)

Gene: BARD1 (BRCA1 associated RING domain 1; minus strand). Cytogenetic location: 2q35.
Variant type: single nucleotide variant.
Coding change: c.1015A>T on transcript NM_000465.4 (MANE Select); coding-DNA position 1015, A replaced by T.
Protein change: p.Ser339Cys; replaces serine 339 with cysteine.
Molecular consequence: missense variant. On other transcripts: non-coding transcript variant (2), intron variant (3).
Genome position (GRCh38, 1-based): chr2:214,780,859, T>A on the plus strand (A>T on the coding strand, the complement: BARD1 is on the minus strand). VCF-style: chr2-214780859-T-A. GRCh37 (hg19) VCF-style: chr2-215645583-T-A.
Other names: c.958A>T, p.Ser320Cys (NM_001282543.2); c.159-28304A>T (NM_001282548.2); c.215+16202A>T (NM_001282545.2); c.364+11438A>T (NM_001282549.2); c.1015A>T (NM_000465.2); short protein forms S320C, S339C.
Identifiers: ClinVar variation 993161 (VCV000993161.7), dbSNP rs1694970561, ClinGen allele CA350454346.